The following is an entry in ClinVar:

ClinVar aggregate classification (germline): Likely pathogenic (1 of 4 stars; one submission).

Conditions:
Collagen 6-related myopathy. Identifiers: MedGen CN117976, MONDO:0100225.

Submission:

Illumina Laboratory Services, Illumina
Classification: Likely pathogenic for Collagen VI-related myopathy. Last evaluated: 2019-12-16. Review status: criteria provided, single submitter. Criteria: ICSLVariantClassificationCriteria RUGD 01 April 2020. Collection method: clinical testing. Allele origin: unknown.
Comment: The COL6A2 c.1072G>T (p.Gly358Trp) variant is a missense variant. A literature search was performed for the gene, cDNA change, and amino acid change. No publications were found based on this search. This variant is not found in the Genome Aggregation Database despite good sequence coverage, so the variant is presumed to be rare. The Gly358 residue lies in the triple helical domain of COL6A2 and is a part of a conserved Gly-X-Y motif (Lampe et al. 2004; Butterfield et al. 2013). Substitutions of the glycines in the conserved Gly-X-Y motif in the triple helical domain of collagen VI are the most commonly identified mutations in the collagen VI myopathies. Based on the available evidence and application of ACMG criteria, the p.Gly358Trp variant is classified as likely pathogenic for collagen type VI-related disorders.

Literature cited by the submitters: PubMed 20301676; PubMed 24038877.

NM_001849.4(COL6A2):c.1072G>T (p.Gly358Trp)

Gene: COL6A2 (collagen type VI alpha 2 chain; plus strand). Cytogenetic location: 21q22.3.
Variant type: single nucleotide variant.
Coding change: c.1072G>T on transcript NM_001849.4 (MANE Select); coding-DNA position 1072, G replaced by T.
Protein change: p.Gly358Trp; replaces glycine 358 with tryptophan.
Molecular consequence: missense variant.
Genome position (GRCh38, 1-based): chr21:46,117,892, G>T. VCF-style: chr21-46117892-G-T. GRCh37 (hg19) VCF-style: chr21-47537806-G-T.
Other names: c.1072G>T, p.Gly358Trp (NM_058174.3, NM_058175.3); short protein forms G358W.
Identifiers: ClinVar variation 973308 (VCV000973308.4), dbSNP rs2078499825, ClinGen allele CA410527516.